The following is an entry in ClinVar:

ClinVar aggregate classification (germline): Uncertain significance (1 of 4 stars; one submission).

Allele frequency attached by ClinVar (database versions not stated): gnomAD exomes below 0.00001; ExAC 0.00001.

Submission:

Labcorp Genetics (formerly Invitae), Labcorp
Classification: Uncertain significance. Last evaluated: 2022-12-15. Review status: criteria provided, single submitter. Criteria: Invitae Variant Classification Sherloc (09022015). Collection method: clinical testing. Allele origin: germline.
Comment: In summary, the available evidence is currently insufficient to determine the role of this variant in disease. Therefore, it has been classified as a Variant of Uncertain Significance. Advanced modeling of protein sequence and biophysical properties (such as structural, functional, and spatial information, amino acid conservation, physicochemical variation, residue mobility, and thermodynamic stability) has been performed at Invitae for this missense variant, however the output from this modeling did not meet the statistical confidence thresholds required to predict the impact of this variant on FGF23 protein function. This variant has not been reported in the literature in individuals affected with FGF23-related conditions. This variant is present in population databases (rs762634143, gnomAD 0.0009%). This sequence change replaces proline, which is neutral and non-polar, with leucine, which is neutral and non-polar, at codon 201 of the FGF23 protein (p.Pro201Leu).

NM_020638.3(FGF23):c.602C>T (p.Pro201Leu)

Gene: FGF23 (fibroblast growth factor 23; minus strand). Cytogenetic location: 12p13.32.
Variant type: single nucleotide variant.
Coding change: c.602C>T on transcript NM_020638.3 (MANE Select); coding-DNA position 602, C replaced by T.
Protein change: p.Pro201Leu; replaces proline 201 with leucine.
Molecular consequence: missense variant.
Genome position (GRCh38, 1-based): chr12:4,370,497, G>A on the plus strand (C>T on the coding strand, the complement: FGF23 is on the minus strand). VCF-style: chr12-4370497-G-A. GRCh37 (hg19) VCF-style: chr12-4479663-G-A.
Other names: short protein forms P201L.
Identifiers: ClinVar variation 2785223 (VCV002785223.3), dbSNP rs762634143, ClinGen allele CA6395644.